The following is an entry in ClinVar:

NM_002691.4(POLD1):c.69G>A (p.Trp23Ter)

Gene: POLD1 (DNA polymerase delta 1, catalytic subunit; plus strand). Cytogenetic location: 19q13.33.
Variant type: single nucleotide variant.
Coding change: c.69G>A on transcript NM_002691.4 (MANE Select); coding-DNA position 69, G replaced by A.
Protein change: p.Trp23Ter; replaces tryptophan 23 with a stop codon.
Molecular consequence: nonsense. On other transcripts: non-coding transcript variant (1).
Genome position (GRCh38, 1-based): chr19:50,398,920, G>A. VCF-style: chr19-50398920-G-A. GRCh37 (hg19) VCF-style: chr19-50902177-G-A.
Other names: c.69G>A, p.Trp23Ter (NM_001256849.1, NM_001308632.1); short protein forms W23*.
Identifiers: ClinVar variation 1012122 (VCV001012122.8), dbSNP rs2038473555, ClinGen allele CA406970073.

ClinVar aggregate classification (germline): Uncertain significance (1 of 4 stars; one submission).

Conditions:
POLD1-related polyposis and colorectal cancer syndrome (CRCS10). Also called: Colorectal cancer 10; COLORECTAL CANCER, SUSCEPTIBILITY TO, ON CHROMOSOME 19q; Colorectal cancer, susceptibility to, 10. Identifiers: Orphanet 220460, MedGen C2675481, MONDO:0012953, OMIM 612591.

Submission:

Labcorp Genetics (formerly Invitae), Labcorp
Classification: Uncertain significance for POLD1-related polyposis and colorectal cancer syndrome. Last evaluated: 2020-03-31. Review status: criteria provided, single submitter. Criteria: Invitae Variant Classification Sherloc (09022015). Collection method: clinical testing. Allele origin: germline.
Comment: This sequence change creates a premature translational stop signal (p.Trp23*) in the POLD1 gene. It is expected to result in an absent or disrupted protein product. Missense variants that disrupt the 3'-5' exonuclease (proof-reading) activity of the POLD1 protein are associated with an increased risk for colonic adenomatous polyps and colon cancer (PMID: 23263490, 23447401). However, loss-of-function variants, which result in an absent or severely disrupted POLD1 protein, and missense variants outside the exonuclease domain, are unlikely to be associated with polyposis or colon cancer. Without further clinical and genetic evidence, this variant has been classified as a Variant of Uncertain Significance. This variant has not been reported in the literature in individuals with POLD1-related conditions. This variant is not present in population databases (ExAC no frequency).

Literature cited by the submitters: PubMed 23263490; PubMed 23447401.